The following is an entry in ClinVar:

ClinVar aggregate classification (germline): Benign. Review status: criteria provided, multiple submitters, no conflicts (2 of 4 stars). 3 submissions from 3 submitters: Benign (2). 1 of the submissions does not count toward it. Last evaluated 2026-02-01.

Conditions:
IL2RB-related disorder. Also called: IL2RB-related condition.

Allele frequency attached by ClinVar (database versions not stated): gnomAD exomes 0.00063 and 0.00133; ExAC 0.00166; 1000 Genomes Project 0.00479; 1000 Genomes Project 30x 0.00484; gnomAD 0.00592 and 0.00640; TOPMed 0.00645; ESP Exome Variant Server 0.00677.
gnomAD v4.1: 1,872 of 1,613,956 alleles (0.12%); highest among the groups gnomAD compares: African/African-American, 2%; 15 homozygotes.

Submissions (3):

Labcorp Genetics (formerly Invitae), Labcorp
Classification: Benign. Last evaluated: 2026-02-01. Review status: criteria provided, single submitter. Criteria: Invitae Variant Classification Sherloc (09022015). Collection method: clinical testing. Allele origin: germline.

Mayo Clinic Laboratories, Mayo Clinic
Classification: Benign. Last evaluated: 2023-09-05. Review status: criteria provided, single submitter. Criteria: ACMG Guidelines, 2015. Collection method: clinical testing. Allele origin: germline. Observed: 3 variant alleles.
Comment: BS1, BS2, BP4, BP7

PreventionGenetics, part of Exact Sciences
Classification: Benign for IL2RB-related condition. Last evaluated: 2019-12-23. Review status: no assertion criteria provided. Collection method: clinical testing. Allele origin: germline. Not counted in ClinVar's aggregate classification.
Comment: This variant is classified as benign based on ACMG/AMP sequence variant interpretation guidelines (Richards et al. 2015 PMID: 25741868, with internal and published modifications).

NM_000878.5(IL2RB):c.120G>A (p.Ser40=)

Gene: IL2RB (interleukin 2 receptor subunit beta; minus strand). Cytogenetic location: 22q12.3.
Variant type: single nucleotide variant.
Coding change: c.120G>A on transcript NM_000878.5 (MANE Select); coding-DNA position 120, G replaced by A.
Protein change: p.Ser40=; no amino-acid change (serine 40 retained).
Molecular consequence: synonymous variant.
Genome position (GRCh38, 1-based): chr22:37,143,604, C>T on the plus strand (G>A on the coding strand, the complement: IL2RB is on the minus strand). VCF-style: chr22-37143604-C-T. GRCh37 (hg19) VCF-style: chr22-37539644-C-T.
Other names: p.Ser40=; c.120G>A, p.Ser40= (NM_001346222.1, NM_001346223.2); c.120G>A (NM_000878.4).
Identifiers: ClinVar variation 780653 (VCV000780653.12), dbSNP rs114542628, ClinGen allele CA10216741.